The following is an entry in ClinVar:

ClinVar aggregate classification (germline): Uncertain significance. Review status: criteria provided, multiple submitters, no conflicts (2 of 4 stars). 4 submissions from 4 submitters: Uncertain significance (4). Last evaluated 2023-11-01.

Conditions:
Joubert syndrome 15 (JBTS15). Identifiers: Orphanet 475, MedGen C3280897, MONDO:0013763, OMIM 614464.

Allele frequency attached by ClinVar (database versions not stated): gnomAD 0.00001 and 0.00002; ExAC 0.00002; gnomAD exomes 0.00003 and 0.00004; TOPMed 0.00004.
gnomAD v4.1: 66 of 1,614,058 alleles (0.0041%); highest among the groups gnomAD compares: Middle Eastern, 0.36%; no homozygotes.

Submissions (4):

Revvity Omics, Revvity
Classification: Uncertain significance for Joubert syndrome 15. Last evaluated: 2023-11-01. Review status: criteria provided, single submitter. Criteria: ACMG Guidelines, 2015. Collection method: clinical testing. Allele origin: germline.

Labcorp Genetics (formerly Invitae), Labcorp
Classification: Uncertain significance for Joubert syndrome 15. Last evaluated: 2023-07-07. Review status: criteria provided, single submitter. Criteria: Invitae Variant Classification Sherloc (09022015). Collection method: clinical testing. Allele origin: germline.
Comment: In summary, the available evidence is currently insufficient to determine the role of this variant in disease. Therefore, it has been classified as a Variant of Uncertain Significance. Advanced modeling of protein sequence and biophysical properties (such as structural, functional, and spatial information, amino acid conservation, physicochemical variation, residue mobility, and thermodynamic stability) performed at Invitae indicates that this missense variant is not expected to disrupt CEP41 protein function. ClinVar contains an entry for this variant (Variation ID: 358940). This variant has not been reported in the literature in individuals affected with CEP41-related conditions. This variant is present in population databases (rs782672149, gnomAD 0.01%). This sequence change replaces arginine, which is basic and polar, with lysine, which is basic and polar, at codon 335 of the CEP41 protein (p.Arg335Lys).

Baylor Genetics
Classification: Uncertain significance for Joubert syndrome 15. Last evaluated: 2019-07-31. Review status: criteria provided, single submitter. Criteria: ACMG Guidelines, 2015. Collection method: clinical testing. Allele origin: unknown. Affected: yes.
Comment: This variant was determined to be of uncertain significance according to ACMG Guidelines, 2015 [PMID:25741868].

Illumina Laboratory Services, Illumina
Classification: Uncertain significance for Joubert syndrome 15. Last evaluated: 2018-01-12. Review status: criteria provided, single submitter. Criteria: ICSL Variant Classification Criteria 13 December 2019. Collection method: clinical testing. Allele origin: germline.

NM_018718.3(CEP41):c.1004G>A (p.Arg335Lys)

Gene: CEP41 (centrosomal protein 41; minus strand). Cytogenetic location: 7q32.2.
Variant type: single nucleotide variant.
Coding change: c.1004G>A on transcript NM_018718.3 (MANE Select); coding-DNA position 1004, G replaced by A.
Protein change: p.Arg335Lys; replaces arginine 335 with lysine.
Molecular consequence: missense variant. On other transcripts: non-coding transcript variant (1).
Genome position (GRCh38, 1-based): chr7:130,399,009, C>T on the plus strand (G>A on the coding strand, the complement: CEP41 is on the minus strand). VCF-style: chr7-130399009-C-T. GRCh37 (hg19) VCF-style: chr7-130038850-C-T.
Other names: c.788G>A, p.Arg263Lys (NM_001257158.2); c.740G>A, p.Arg247Lys (NM_001257159.2); short protein forms R335K, R263K, R247K.
Identifiers: ClinVar variation 358940 (VCV000358940.15), dbSNP rs782672149, ClinGen allele CA4485410.